The following is an entry in ClinVar:

NM_000297.4(PKD2):c.64C>A (p.Arg22Ser)

Genes: PKD2 (polycystin 2, transient receptor potential cation channel; plus strand), LOC129992813 (ATAC-STARR-seq lymphoblastoid silent region 15559; plus strand). Cytogenetic location: 4q22.1.
Variant type: single nucleotide variant.
Coding change: c.64C>A on transcript NM_000297.4 (MANE Select); coding-DNA position 64, C replaced by A.
Protein change: p.Arg22Ser; replaces arginine 22 with serine.
Molecular consequence: missense variant. On other transcripts: non-coding transcript variant (1).
Genome position (GRCh38, 1-based): chr4:88,007,797, C>A. VCF-style: chr4-88007797-C-A. GRCh37 (hg19) VCF-style: chr4-88928949-C-A.
Other names: c.64C>A (NM_000297.3); short protein forms R22S.
Identifiers: ClinVar variation 1977823 (VCV001977823.6), dbSNP rs1338261349, ClinGen allele CA357624991.

ClinVar aggregate classification (germline): Uncertain significance. Review status: criteria provided, multiple submitters, no conflicts (2 of 4 stars). 2 submissions from 2 submitters: Uncertain significance (2). Last evaluated 2023-12-12.

Conditions:
Inborn genetic diseases. Identifiers: MedGen C0950123, MeSH D030342.
Autosomal dominant polycystic kidney disease. Identifiers: Orphanet 730, MedGen C0085413, MONDO:0004691.

Allele frequency attached by ClinVar (database versions not stated): TOPMed below 0.00001; gnomAD 0.00001.

Submissions (2):

Ambry Genetics
Classification: Uncertain significance for Inborn genetic diseases. Last evaluated: 2023-12-12. Review status: criteria provided, single submitter. Criteria: Ambry Variant Classification Scheme 2023. Collection method: clinical testing. Allele origin: germline.

Labcorp Genetics (formerly Invitae), Labcorp
Classification: Uncertain significance for Autosomal dominant polycystic kidney disease. Last evaluated: 2023-05-12. Review status: criteria provided, single submitter. Criteria: Invitae Variant Classification Sherloc (09022015). Collection method: clinical testing. Allele origin: germline.
Comment: In summary, the available evidence is currently insufficient to determine the role of this variant in disease. Therefore, it has been classified as a Variant of Uncertain Significance. This sequence change replaces arginine, which is basic and polar, with serine, which is neutral and polar, at codon 22 of the PKD2 protein (p.Arg22Ser). This variant is not present in population databases (gnomAD no frequency). This variant has not been reported in the literature in individuals affected with PKD2-related conditions. ClinVar contains an entry for this variant (Variation ID: 1977823). An algorithm developed to predict the effect of missense changes on protein structure and function (PolyPhen-2) suggests that this variant is likely to be tolerated.